The following is an entry in ClinVar:

NM_024120.5(NDUFAF5):c.592C>T (p.Arg198Trp)

Gene: NDUFAF5 (NADH:ubiquinone oxidoreductase complex assembly factor 5; plus strand). Cytogenetic location: 20p12.1.
Variant type: single nucleotide variant.
Coding change: c.592C>T on transcript NM_024120.5 (MANE Select); coding-DNA position 592, C replaced by T.
Protein change: p.Arg198Trp; replaces arginine 198 with tryptophan.
Molecular consequence: missense variant. On other transcripts: non-coding transcript variant (7).
Genome position (GRCh38, 1-based): chr20:13,801,558, C>T. VCF-style: chr20-13801558-C-T. GRCh37 (hg19) VCF-style: chr20-13782204-C-T.
Other names: c.508C>T, p.Arg170Trp (NM_001039375.3); c.121C>T, p.Arg41Trp (NM_001352403.2); c.31C>T, p.Arg11Trp (NM_001352406.2, NM_001352407.2); c.592C>T, p.Arg198Trp (NM_001352408.2); short protein forms R11W, R170W, R198W, R41W.
Identifiers: ClinVar variation 1804485 (VCV001804485.2), dbSNP rs1265153312, ClinGen allele CA408270760.

ClinVar aggregate classification (germline): Uncertain significance (1 of 4 stars; one submission).

Allele frequency attached by ClinVar (database versions not stated): TOPMed 0.00001; gnomAD 0.00002; gnomAD exomes below 0.00001.
gnomAD v4.1: 8 of 1,613,824 alleles (0.0005%); highest among the groups gnomAD compares: Admixed American, 0.0017%; no homozygotes.

Submission:

GeneDx
Classification: Uncertain significance. Last evaluated: 2024-02-23. Review status: criteria provided, single submitter. Criteria: GeneDx Variant Classification Process June 2021. Collection method: clinical testing. Allele origin: germline.
Comment: Not observed at significant frequency in large population cohorts (gnomAD); In silico analysis supports that this missense variant has a deleterious effect on protein structure/function; Has not been previously published as pathogenic or benign to our knowledge